The following is an entry in ClinVar:

ClinVar aggregate classification (germline): Uncertain significance. Review status: criteria provided, multiple submitters, no conflicts (2 of 4 stars). 2 submissions from 2 submitters: Uncertain significance (2). Last evaluated 2024-12-04.

Conditions:
Inborn genetic diseases. Identifiers: MedGen C0950123, MeSH D030342.

Allele frequency attached by ClinVar (database versions not stated): gnomAD exomes 0.00002; gnomAD 0.00003; TOPMed 0.00003; ExAC 0.00004.
gnomAD v4.1: 21 of 1,614,118 alleles (0.0013%); highest among the groups gnomAD compares: Admixed American, 0.027%; no homozygotes.

Submissions (2):

Ambry Genetics
Classification: Uncertain significance for Inborn genetic diseases. Last evaluated: 2024-12-04. Review status: criteria provided, single submitter. Criteria: Ambry Variant Classification Scheme 2023. Collection method: clinical testing. Allele origin: germline.

Labcorp Genetics (formerly Invitae), Labcorp
Classification: Uncertain significance. Last evaluated: 2024-01-02. Review status: criteria provided, single submitter. Criteria: Invitae Variant Classification Sherloc (09022015). Collection method: clinical testing. Allele origin: germline.
Comment: This sequence change replaces glutamine, which is neutral and polar, with arginine, which is basic and polar, at codon 272 of the PUS3 protein (p.Gln272Arg). This variant is present in population databases (rs769994818, gnomAD 0.02%). This variant has not been reported in the literature in individuals affected with PUS3-related conditions. ClinVar contains an entry for this variant (Variation ID: 1018864). Advanced modeling of protein sequence and biophysical properties (such as structural, functional, and spatial information, amino acid conservation, physicochemical variation, residue mobility, and thermodynamic stability) performed at Invitae indicates that this missense variant is not expected to disrupt PUS3 protein function with a negative predictive value of 80%. In summary, the available evidence is currently insufficient to determine the role of this variant in disease. Therefore, it has been classified as a Variant of Uncertain Significance.

NM_031307.4(PUS3):c.815A>G (p.Gln272Arg)

Genes: HYLS1 (HYLS1 centriolar and ciliogenesis associated; plus strand), PUS3 (pseudouridine synthase 3; minus strand). Cytogenetic location: 11q24.2.
Variant type: single nucleotide variant.
Coding change: c.815A>G on transcript NM_031307.4 (MANE Select); coding-DNA position 815, A replaced by G.
Protein change: p.Gln272Arg; replaces glutamine 272 with arginine.
Molecular consequence: missense variant. On other transcripts: intron variant (5).
Genome position (GRCh38, 1-based): chr11:125,895,353, T>C on the plus strand (A>G on the coding strand, the complement: PUS3 is on the minus strand). VCF-style: chr11-125895353-T-C. GRCh37 (hg19) VCF-style: chr11-125765248-T-C.
Other names: c.191A>G, p.Gln64Arg (NM_001271985.2); c.-80-3751T>C (NM_145014.3); c.-26+3881T>C (NM_001134793.2); c.-23+3881T>C (NM_001424364.1); c.-25-3991T>C (NM_001377269.1); c.-22-3994T>C (NM_001377270.1); c.815A>G (NM_031307.3); short protein forms Q272R, Q64R.
Identifiers: ClinVar variation 1018864 (VCV001018864.8), dbSNP rs769994818, ClinGen allele CA6350442.